The following is an entry in ClinVar:

GRCh38/hg38 16p11.2(chr16:29581462-30179247)x3

Variant type: copy number gain.
Change: copy number 3 (three copies instead of two) of chr16:29,581,462-30,179,247 (597.8 kb, GRCh38 coordinates, 1-based), cytogenetic band 16p11.2.
Identifiers: ClinVar variation 424857 (VCV000424857.3).

ClinVar aggregate classification (germline): Pathogenic (0 of 4 stars; one submission).

Submission:

ISCA site 4
Classification: Pathogenic. Last evaluated: 2018-02-15. Review status: no assertion criteria provided. Collection method: clinical testing. Allele origin: de novo, unknown, maternal. Affected: yes. Observed: 5 variant alleles. Clinical features observed: Developmental delay AND/OR other significant developmental or morphological phenotypes, Abnormality of the nervous system (HP:0000707), Autism (HP:0000717), Hepatic failure (HP:0001399).
Comment: Copy number variation identified through the course of routine clinical cytogenomic testing in postnatal populations. Clinical assertions have been curated as described in Kaminsky et al. 2011.

Copy number variation identified through the course of routine clinical cytogenomic testing in postnatal populations. Clinical assertions have been curated as described in Kaminsky, et al. 2011 (PubMed 21844811). For additional ClinGen data, please see nstd37.